The following is an entry in ClinVar:

NM_000170.3(GLDC):c.1893C>T (p.Ala631=)

Gene: GLDC (glycine decarboxylase; minus strand). Cytogenetic location: 9p24.1.
Variant type: single nucleotide variant.
Coding change: c.1893C>T on transcript NM_000170.3 (MANE Select); coding-DNA position 1893, C replaced by T.
Protein change: p.Ala631=; no amino-acid change (alanine 631 retained).
Molecular consequence: synonymous variant.
Genome position (GRCh38, 1-based): chr9:6,565,387, G>A on the plus strand (C>T on the coding strand, the complement: GLDC is on the minus strand). VCF-style: chr9-6565387-G-A. GRCh37 (hg19) VCF-style: chr9-6565387-G-A.
Identifiers: ClinVar variation 715103 (VCV000715103.16), dbSNP rs565751857, ClinGen allele CA4980489.

ClinVar aggregate classification (germline): Likely benign. Review status: criteria provided, multiple submitters, no conflicts (2 of 4 stars). 3 submissions from 3 submitters: Likely benign (2). 1 of the submissions does not count toward it. Last evaluated 2026-01-19.

Conditions:
Glycine encephalopathy. Also called: Non-ketotic hyperglycinemia; Nonketotic hyperglycinemia. Identifiers: Orphanet 407, MedGen C0751748, MONDO:0011612, HP:0008288.
GLDC-related disorder. Also called: GLDC-related condition.

Allele frequency attached by ClinVar (database versions not stated): ExAC 0.00002; TOPMed 0.00004; 1000 Genomes Project 30x 0.00031; 1000 Genomes Project 0.00040.
gnomAD v4.1: 93 of 1,613,924 alleles (0.0058%); highest among the groups gnomAD compares: Admixed American, 0.015%; no homozygotes.

Submissions (3):

Labcorp Genetics (formerly Invitae), Labcorp
Classification: Likely benign for Glycine encephalopathy. Last evaluated: 2026-01-19. Review status: criteria provided, single submitter. Criteria: Invitae Variant Classification Sherloc (09022015). Collection method: clinical testing. Allele origin: germline.

GeneDx
Classification: Likely benign. Last evaluated: 2019-02-13. Review status: criteria provided, single submitter. Criteria: GeneDx Variant Classification Process June 2021. Collection method: clinical testing. Allele origin: germline. Affected: yes.

PreventionGenetics, part of Exact Sciences
Classification: Likely benign for GLDC-related condition. Last evaluated: 2019-09-05. Review status: no assertion criteria provided. Collection method: clinical testing. Allele origin: germline. Not counted in ClinVar's aggregate classification.
Comment: This variant is classified as likely benign based on ACMG/AMP sequence variant interpretation guidelines (Richards et al. 2015 PMID: 25741868, with internal and published modifications).